The following is an entry in ClinVar:

NM_002397.5(MEF2C):c.468del (p.Tyr157fs)

Gene: MEF2C (myocyte enhancer factor 2C; minus strand). Cytogenetic location: 5q14.3.
Variant type: Deletion.
Coding change: c.468del on transcript NM_002397.5 (MANE Select); coding-DNA position 468, one base deleted (G; older notation c.468delG).
Protein change: p.Tyr157fs; shifts the reading frame from tyrosine 157.
Molecular consequence: frameshift variant.
Genome position (GRCh38, 1-based): chr5:88,751,978, C deleted on the plus strand (G on the coding strand, the reverse complement: MEF2C is on the minus strand). VCF-style (leftmost placement, unchanged base first): chr5-88751977-AC-A. GRCh37 (hg19) VCF-style: chr5-88047794-AC-A.
Other names: c.462del, p.Tyr155fs (NM_001131005.2, NM_001364343.2, NM_001364352.2); c.522del, p.Tyr175fs (NM_001193347.1, NM_001364338.2); c.324del, p.Tyr109fs (NM_001193348.1, NM_001193349.3, NM_001364332.2 and 3 more transcripts); c.468del, p.Tyr157fs (NM_001193350.2, NM_001308002.3, NM_001363581.2 and 18 more transcripts); c.90del, p.Tyr31fs (NM_001364353.2, NM_001364356.2); c.42del, p.Tyr15fs (NM_001364357.2); short protein forms Y155fs, Y15fs, Y109fs, Y175fs, Y157fs, Y31fs.
Identifiers: ClinVar variation 2001170 (VCV002001170.4), dbSNP rs2547869345, ClinGen allele CA2580073709.

ClinVar aggregate classification (germline): Pathogenic (1 of 4 stars; one submission).

Conditions:
Neurodevelopmental disorder with hypotonia, stereotypic hand movements, and impaired language. Also called: Intellectual disability, autosomal dominant 20. Identifiers: Orphanet 228384, Orphanet 664410, MedGen C3150700, MONDO:0013266, OMIM 613443.

Submission:

Labcorp Genetics (formerly Invitae), Labcorp
Classification: Pathogenic for Neurodevelopmental disorder with hypotonia, stereotypic hand movements, and impaired language. Last evaluated: 2022-09-12. Review status: criteria provided, single submitter. Criteria: Invitae Variant Classification Sherloc (09022015). Collection method: clinical testing. Allele origin: germline.
Comment: This variant is not present in population databases (gnomAD no frequency). This variant has not been reported in the literature in individuals affected with MEF2C-related conditions. For these reasons, this variant has been classified as Pathogenic. This sequence change creates a premature translational stop signal (p.Tyr157Thrfs*30) in the MEF2C gene. It is expected to result in an absent or disrupted protein product. Loss-of-function variants in MEF2C are known to be pathogenic (PMID: 20513142).

Literature cited by the submitters: PubMed 20513142.